The following is an entry in ClinVar:

ClinVar aggregate classification (germline): Uncertain significance. Review status: criteria provided, multiple submitters, no conflicts (2 of 4 stars). 3 submissions from 3 submitters: Uncertain significance (3). Last evaluated 2025-02-10.

Conditions:
Hereditary cancer-predisposing syndrome. Also called: Neoplastic Syndromes, Hereditary; Tumor predisposition; Hereditary neoplastic syndrome; Hereditary Cancer Syndrome. Identifiers: Orphanet 140162, MedGen C0027672, MeSH D009386, MONDO:0015356.
Breast-ovarian cancer, familial, susceptibility to, 4. Identifiers: Orphanet 145, MedGen C3280345, MONDO:0013669, OMIM 614291.

Submissions (3):

Color Diagnostics, LLC DBA Color Health
Classification: Uncertain significance for Hereditary cancer-predisposing syndrome. Last evaluated: 2025-02-10. Review status: criteria provided, single submitter. Criteria: ACMG Guidelines, 2015. Collection method: clinical testing. Allele origin: germline.
Comment: This missense variant replaces leucine with methionine at codon 182 of the RAD51D protein. Computational prediction suggests that this variant may not impact protein structure and function (internally defined REVEL score threshold <= 0.5, PMID: 27666373). To our knowledge, functional studies have not been reported for this variant. This variant has not been reported in individuals affected with RAD51D-related disorders in the literature. This variant has not been identified in the general population by the Genome Aggregation Database (gnomAD). The available evidence is insufficient to determine the role of this variant in disease conclusively. Therefore, this variant is classified as a Variant of Uncertain Significance.

Labcorp Genetics (formerly Invitae), Labcorp
Classification: Uncertain significance for Breast-ovarian cancer, familial, susceptibility to, 4. Last evaluated: 2023-11-17. Review status: criteria provided, single submitter. Criteria: Invitae Variant Classification Sherloc (09022015). Collection method: clinical testing. Allele origin: germline.
Comment: This sequence change replaces leucine, which is neutral and non-polar, with methionine, which is neutral and non-polar, at codon 182 of the RAD51D protein (p.Leu182Met). This variant is not present in population databases (gnomAD no frequency). This variant has not been reported in the literature in individuals affected with RAD51D-related conditions. Advanced modeling of protein sequence and biophysical properties (such as structural, functional, and spatial information, amino acid conservation, physicochemical variation, residue mobility, and thermodynamic stability) performed at Invitae indicates that this missense variant is not expected to disrupt RAD51D protein function with a negative predictive value of 80%. In summary, the available evidence is currently insufficient to determine the role of this variant in disease. Therefore, it has been classified as a Variant of Uncertain Significance.

Ambry Genetics
Classification: Uncertain significance for Hereditary cancer-predisposing syndrome. Last evaluated: 2023-09-15. Review status: criteria provided, single submitter. Criteria: Ambry Variant Classification Scheme 2023. Collection method: clinical testing. Allele origin: germline.
Comment: The p.L182M variant (also known as c.544C>A), located in coding exon 6 of the RAD51D gene, results from a C to A substitution at nucleotide position 544. The leucine at codon 182 is replaced by methionine, an amino acid with highly similar properties. This amino acid position is conserved. In addition, the in silico prediction for this alteration is inconclusive. Since supporting evidence is limited at this time, the clinical significance of this alteration remains unclear.

NM_002878.4(RAD51D):c.544C>A (p.Leu182Met)

Genes: RAD51L3-RFFL (RAD51L3-RFFL readthrough; minus strand), RAD51D (RAD51 paralog D; minus strand). Cytogenetic location: 17q12.
Variant type: single nucleotide variant.
Coding change: c.544C>A on transcript NM_002878.4 (MANE Select); coding-DNA position 544, C replaced by A.
Protein change: p.Leu182Met; replaces leucine 182 with methionine.
Molecular consequence: missense variant. On other transcripts: non-coding transcript variant (3).
Genome position (GRCh38, 1-based): chr17:35,106,418, G>T on the plus strand (C>A on the coding strand, the complement: RAD51D is on the minus strand). VCF-style: chr17-35106418-G-T. GRCh37 (hg19) VCF-style: chr17-33433437-G-T.
Other names: c.604C>A, p.Leu202Met (NM_001142571.2); c.208C>A, p.Leu70Met (NM_133629.3); short protein forms L70M, L182M, L202M.
Identifiers: ClinVar variation 2696474 (VCV002696474.5), dbSNP rs937006542, ClinGen allele CA399088683.
Genomic context (GRCh38, chr17:35,106,418, plus strand): 5'-GCAAGGAGGGGCAGAACAGCAGGCTCACCTGCTGGGCCACAGTGCCTCGGAGCTCCTGCA[G>T]CACATCCAGCATCTGGAAGATGTCAAATGCATGCACCACCTGGATCCTCCGGAGAGCTTC-3'
Protein context (NP_002869.3, residues 172-192): AFDIFQMLDV[Leu182Met]QELRGTVAQQ